The following is an entry in ClinVar:

ClinVar aggregate classification (germline): Uncertain significance (1 of 4 stars; one submission).

Conditions:
Arrhythmogenic right ventricular dysplasia 10. Also called: ARRHYTHMOGENIC RIGHT VENTRICULAR DYSPLASIA, FAMILIAL, 10; Arrhythmogenic right ventricular dysplasia/cardiomyopathy, type 10; Arrhythmogenic Right Ventricular Dysplasia/Cardiomyopathy10. Identifiers: MedGen C1857777, MONDO:0012434, OMIM 610193.

Submission:

Labcorp Genetics (formerly Invitae), Labcorp
Classification: Uncertain significance for Arrhythmogenic right ventricular dysplasia 10. Last evaluated: 2024-04-30. Review status: criteria provided, single submitter. Criteria: Invitae Variant Classification Sherloc (09022015). Collection method: clinical testing. Allele origin: germline.
Comment: This sequence change replaces aspartic acid, which is acidic and polar, with histidine, which is basic and polar, at codon 250 of the DSG2 protein (p.Asp250His). This variant is not present in population databases (gnomAD no frequency). This variant has not been reported in the literature in individuals affected with DSG2-related conditions. ClinVar contains an entry for this variant (Variation ID: 2053964). Advanced modeling of protein sequence and biophysical properties (such as structural, functional, and spatial information, amino acid conservation, physicochemical variation, residue mobility, and thermodynamic stability) performed at Invitae indicates that this missense variant is not expected to disrupt DSG2 protein function with a negative predictive value of 95%. In summary, the available evidence is currently insufficient to determine the role of this variant in disease. Therefore, it has been classified as a Variant of Uncertain Significance.

NM_001943.5(DSG2):c.748G>C (p.Asp250His)

Gene: DSG2 (desmoglein 2; plus strand). Cytogenetic location: 18q12.1.
Variant type: single nucleotide variant.
Coding change: c.748G>C on transcript NM_001943.5 (MANE Select); coding-DNA position 748, G replaced by C.
Protein change: p.Asp250His; replaces aspartic acid 250 with histidine.
Molecular consequence: missense variant.
Genome position (GRCh38, 1-based): chr18:31,524,505, G>C. VCF-style: chr18-31524505-G-C. GRCh37 (hg19) VCF-style: chr18-29104468-G-C.
Other names: short protein forms D250H.
Identifiers: ClinVar variation 2053964 (VCV002053964.4), dbSNP rs1459918321, ClinGen allele CA402135018.